The following is an entry in ClinVar:

NM_001082486.2(ACD):c.115G>A (p.Glu39Lys)

Gene: ACD (ACD shelterin complex subunit and telomerase recruitment factor; minus strand). Cytogenetic location: 16q22.1.
Variant type: single nucleotide variant.
Coding change: c.115G>A on transcript NM_001082486.2 (MANE Select); coding-DNA position 115, G replaced by A.
Protein change: p.Glu39Lys; replaces glutamic acid 39 with lysine.
Molecular consequence: missense variant.
Genome position (GRCh38, 1-based): chr16:67,660,030, C>T on the plus strand (G>A on the coding strand, the complement: ACD is on the minus strand). VCF-style: chr16-67660030-C-T. GRCh37 (hg19) VCF-style: chr16-67693933-C-T.
Other names: c.115G>A, p.Glu39Lys (NM_001410884.1); c.106G>A, p.Glu36Lys (NM_022914.3); short protein forms E36K, E39K.
Identifiers: ClinVar variation 1734464 (VCV001734464.3), dbSNP rs2543610714, ClinGen allele CA396357988.

ClinVar aggregate classification (germline): Uncertain significance (1 of 4 stars; one submission).

Conditions:
Inborn genetic diseases. Identifiers: MedGen C0950123, MeSH D030342.

Submission:

Ambry Genetics
Classification: Uncertain significance for Inborn genetic diseases. Last evaluated: 2022-04-19. Review status: criteria provided, single submitter. Criteria: Ambry Variant Classification Scheme 2023. Collection method: clinical testing. Allele origin: germline.
Comment: The p.E125K variant (also known as c.373G>A), located in coding exon 2 of the ACD gene, results from a G to A substitution at nucleotide position 373. The glutamic acid at codon 125 is replaced by lysine, an amino acid with similar properties. This amino acid position is conserved. In addition, this alteration is predicted to be tolerated by in silico analysis. Since supporting evidence is limited at this time, the clinical significance of this alteration remains unclear.